The following is an entry in ClinVar:

ClinVar aggregate classification (germline): Benign/Likely benign. Review status: criteria provided, multiple submitters, no conflicts (2 of 4 stars). 3 submissions from 3 submitters: Benign (2); Likely benign (1). Last evaluated 2026-02-02.

Conditions:
Combined immunodeficiency due to CD3gamma deficiency. Also called: Immunodeficiency 17, CD3 gamma deficient; CD3-GAMMA DEFICIENCY; SCID-LIKE IMMUNODEFICIENCY, T CELL-PARTIAL, B CELL-POSITIVE, NK CELL-POSITIVE; Immunodeficiency 17. Identifiers: Orphanet 169082, MedGen C3810107, MONDO:0014276, OMIM 615607.

Allele frequency attached by ClinVar (database versions not stated): gnomAD exomes 0.00070; ExAC 0.00082; ESP Exome Variant Server 0.00223; gnomAD 0.00277 and 0.00294; TOPMed 0.00289; 1000 Genomes Project 30x 0.00344; 1000 Genomes Project 0.00359.
gnomAD v4.1: 755 of 1,614,030 alleles (0.047%); highest among the groups gnomAD compares: African/African-American, 0.91%; 5 homozygotes.

Submissions (3):

Women's Health and Genetics/Laboratory Corporation of America, LabCorp
Classification: Likely benign. Last evaluated: 2026-02-02. Review status: criteria provided, single submitter. Criteria: LabCorp Variant Classification Summary - May 2015. Collection method: clinical testing. Allele origin: germline.
Comment: Variant summary: CD3G c.64G>A (p.Ala22Thr) results in a non-conservative amino acid change in the encoded protein sequence. Algorithms developed to predict the effect of missense changes on protein structure and function are either unavailable or do not agree on the potential impact of this missense change. The variant allele was found at a frequency of 0.0007 in 251434 control chromosomes, predominantly at a frequency of 0.0096 within the African or African-American subpopulation in the gnomAD database, including 1 homozygotes. The observed variant frequency within African or African-American control individuals in the gnomAD database exceeds the estimated maximal expected allele frequency for disease-causing variants in CD3G. To our knowledge, no occurrence of c.64G>A in individuals affected with CD3G-related conditions and no experimental evidence demonstrating its impact on protein function have been reported. ClinVar contains an entry for this variant (Variation ID: 474800). Based on the evidence outlined above, the variant was classified as likely benign.

Labcorp Genetics (formerly Invitae), Labcorp
Classification: Benign for Combined immunodeficiency due to CD3gamma deficiency. Last evaluated: 2026-01-26. Review status: criteria provided, single submitter. Criteria: Invitae Variant Classification Sherloc (09022015). Collection method: clinical testing. Allele origin: germline.

Breakthrough Genomics
Classification: Benign. Review status: criteria provided, single submitter. Criteria: ACMG Guidelines, 2015. Collection method: not provided. Allele origin: germline. Inheritance: Autosomal recessive inheritance. Affected: yes.

NM_000073.3(CD3G):c.64G>A (p.Ala22Thr)

Gene: CD3G (CD3 gamma subunit of T-cell receptor complex; plus strand). Cytogenetic location: 11q23.3.
Variant type: single nucleotide variant.
Coding change: c.64G>A on transcript NM_000073.3 (MANE Select); coding-DNA position 64, G replaced by A.
Protein change: p.Ala22Thr; replaces alanine 22 with threonine.
Molecular consequence: missense variant.
Genome position (GRCh38, 1-based): chr11:118,349,035, G>A. VCF-style: chr11-118349035-G-A. GRCh37 (hg19) VCF-style: chr11-118219750-G-A.
Other names: short protein forms A22T.
Identifiers: ClinVar variation 474800 (VCV000474800.14), dbSNP rs139781104, ClinGen allele CA6302074.